The following is an entry in ClinVar:

NM_001371623.1(TCOF1):c.4418C>T (p.Pro1473Leu)

Gene: TCOF1 (treacle ribosome biogenesis factor 1; plus strand). Cytogenetic location: 5q32.
Variant type: single nucleotide variant.
Coding change: c.4418C>T on transcript NM_001371623.1 (MANE Select); coding-DNA position 4418, C replaced by T.
Protein change: p.Pro1473Leu; replaces proline 1473 with leucine.
Molecular consequence: missense variant.
Genome position (GRCh38, 1-based): chr5:150,398,426, C>T. VCF-style: chr5-150398426-C-T. GRCh37 (hg19) VCF-style: chr5-149777989-C-T.
Other names: c.4184C>T, p.Pro1395Leu (NM_000356.4); c.4415C>T, p.Pro1472Leu (NM_001135243.2); c.4304C>T, p.Pro1435Leu (NM_001135244.2); c.4187C>T, p.Pro1396Leu (NM_001135245.2); c.4301C>T, p.Pro1434Leu (NM_001195141.2); short protein forms P1472L, P1395L, P1435L, P1396L, P1434L, P1473L.
Identifiers: ClinVar variation 598625 (VCV000598625.17), dbSNP rs148367422, ClinGen allele CA3511757.
Genomic context (GRCh38, chr5:150,398,426, plus strand): 5'-AAGAAAAAAAAGAAAAGAAGAAGAAAGCAAAAAAGGCCTCAACCAAAGATTCTGAGTCAC[C>T]GTCCCAGAAGAAAAAGAAGAAAAAGGTAGAGAGTTCCTGGGGTGTCTCAGGCCAGAAAAC-3'
Protein context (NP_001358552.1, residues 1463-1483): KKASTKDSES[Pro1473Leu]SQKKKKKKKK

ClinVar aggregate classification (germline): Conflicting classifications of pathogenicity. Review status: criteria provided, conflicting classifications (1 of 4 stars). 4 submissions from 4 submitters: Uncertain significance (1); Benign (1); Likely benign (2). Last evaluated 2025-12-22.

Conditions:
TCOF1-related disorder. Also called: TCOF1-related condition.
Treacher Collins syndrome 1 (TCS1). Also called: TCOF1-Related Treacher Collins Syndrome. Identifiers: Orphanet 861, MedGen CN315775, MONDO:0007944, OMIM 154500.

Allele frequency attached by ClinVar (database versions not stated): gnomAD exomes 0.00007 and 0.00011; ExAC 0.00011; 1000 Genomes Project 0.00020; gnomAD 0.00025 and 0.00026; TOPMed 0.00027; 1000 Genomes Project 30x 0.00031; ESP Exome Variant Server 0.00031.
gnomAD v4.1: 134 of 1,614,064 alleles (0.0083%); highest among the groups gnomAD compares: African/African-American, 0.099%; no homozygotes.

Submissions (4):

PreventionGenetics, part of Exact Sciences
Classification: Likely benign for TCOF1-related condition. Last evaluated: 2025-12-22. Review status: criteria provided, single submitter. Criteria: ACMG Guidelines, 2015. Collection method: clinical testing. Allele origin: germline.
Comment: This variant is classified as likely benign based on ACMG/AMP sequence variant interpretation guidelines (Richards et al. 2015 PMID: 25741868, with internal and published modifications).

Labcorp Genetics (formerly Invitae), Labcorp
Classification: Likely benign for Treacher Collins syndrome 1. Last evaluated: 2023-02-21. Review status: criteria provided, single submitter. Criteria: Invitae Variant Classification Sherloc (09022015). Collection method: clinical testing. Allele origin: germline.

GeneDx
Classification: Benign. Last evaluated: 2019-12-18. Review status: criteria provided, single submitter. Criteria: GeneDx Variant Classification Process June 2021. Collection method: clinical testing. Allele origin: germline. Affected: yes.

Eurofins Ntd Llc (ga)
Classification: Uncertain significance. Last evaluated: 2018-09-11. Review status: criteria provided, single submitter. Criteria: EGL ClinVar v180209 classification definitions. Collection method: clinical testing. Allele origin: germline. Observed: 1 variant allele, 1 heterozygote.